The following is an entry in ClinVar:

NM_025215.6(PUS1):c.128C>A (p.Pro43His)

Genes: PUS1 (pseudouridine synthase 1; plus strand), LOC130009240 (ATAC-STARR-seq lymphoblastoid silent region 5107; plus strand). Cytogenetic location: 12q24.33.
Variant type: single nucleotide variant.
Coding change: c.128C>A on transcript NM_025215.6 (MANE Select); coding-DNA position 128, C replaced by A.
Protein change: p.Pro43His; replaces proline 43 with histidine.
Molecular consequence: missense variant.
Genome position (GRCh38, 1-based): chr12:131,929,960, C>A. VCF-style: chr12-131929960-C-A. GRCh37 (hg19) VCF-style: chr12-132414505-C-A.
Other names: c.44C>A, p.Pro15His (NM_001002019.3, NM_001002020.3); c.128C>A (NM_025215.5); short protein forms P15H, P43H.
Identifiers: ClinVar variation 1906066 (VCV001906066.6), dbSNP rs1343233524, ClinGen allele CA387297183.

ClinVar aggregate classification (germline): Uncertain significance. Review status: criteria provided, multiple submitters, no conflicts (2 of 4 stars). 2 submissions from 2 submitters: Uncertain significance (2). Last evaluated 2024-10-28.

Conditions:
Inborn genetic diseases. Identifiers: MedGen C0950123, MeSH D030342.

Allele frequency attached by ClinVar (database versions not stated): TOPMed 0.00001.

Submissions (2):

Labcorp Genetics (formerly Invitae), Labcorp
Classification: Uncertain significance. Last evaluated: 2024-10-28. Review status: criteria provided, single submitter. Criteria: Invitae Variant Classification Sherloc (09022015). Collection method: clinical testing. Allele origin: germline.
Comment: This sequence change replaces proline, which is neutral and non-polar, with histidine, which is basic and polar, at codon 43 of the PUS1 protein (p.Pro43His). This variant is not present in population databases (gnomAD no frequency). This variant has not been reported in the literature in individuals affected with PUS1-related conditions. ClinVar contains an entry for this variant (Variation ID: 1906066). An algorithm developed to predict the effect of missense changes on protein structure and function (PolyPhen-2) suggests that this variant is likely to be tolerated. In summary, the available evidence is currently insufficient to determine the role of this variant in disease. Therefore, it has been classified as a Variant of Uncertain Significance.

Ambry Genetics
Classification: Uncertain significance for Inborn genetic diseases. Last evaluated: 2023-05-17. Review status: criteria provided, single submitter. Criteria: Ambry Variant Classification Scheme 2023. Collection method: clinical testing. Allele origin: germline.